The following is an entry in ClinVar:

ClinVar aggregate classification (germline): Uncertain significance (1 of 4 stars; one submission).

Submission:

Dasa
Classification: Uncertain significance. Last evaluated: 2025-06-19. Review status: criteria provided, single submitter. Criteria: DASA Assertion Criteria. Collection method: clinical testing. Allele origin: germline.
Comment: NM_015021.3(ZNF292):c.5406A>C (p.Gln1802His) is a missense variant that results in the substitution of glutamine with histidine. This variant is absent from population databases. Computational prediction algorithms are consistent with a benign effect. The currently available literature and clinical evidence are not sufficient to establish a definitive association between this variant and the reported condition. Therefore, this variant is classified as a variant of uncertain significance.

NM_015021.3(ZNF292):c.5406A>C (p.Gln1802His)

Gene: ZNF292 (zinc finger protein 292; plus strand). Cytogenetic location: 6q14.3.
Variant type: single nucleotide variant.
Coding change: c.5406A>C on transcript NM_015021.3 (MANE Select); coding-DNA position 5406, A replaced by C.
Protein change: p.Gln1802His; replaces glutamine 1802 with histidine.
Molecular consequence: missense variant.
Genome position (GRCh38, 1-based): chr6:87,259,035, A>C. VCF-style: chr6-87259035-A-C. GRCh37 (hg19) VCF-style: chr6-87968753-A-C.
Other names: c.4986A>C, p.Gln1662His (NM_001351444.2); short protein forms Q1662H, Q1802H.
Identifiers: ClinVar variation 5020935 (VCV005020935.1).